The following is an entry in ClinVar:

NM_025099.6(CTC1):c.2076C>G (p.Phe692Leu)

Gene: CTC1 (CST telomere replication complex component 1; minus strand). Cytogenetic location: 17p13.1.
Variant type: single nucleotide variant.
Coding change: c.2076C>G on transcript NM_025099.6 (MANE Select); coding-DNA position 2076, C replaced by G.
Protein change: p.Phe692Leu; replaces phenylalanine 692 with leucine.
Molecular consequence: missense variant. On other transcripts: non-coding transcript variant (1).
Genome position (GRCh38, 1-based): chr17:8,232,212, G>C on the plus strand (C>G on the coding strand, the complement: CTC1 is on the minus strand). VCF-style: chr17-8232212-G-C. GRCh37 (hg19) VCF-style: chr17-8135530-G-C.
Other names: c.2076C>G (NM_025099.5); short protein forms F692L.
Identifiers: ClinVar variation 1015429 (VCV001015429.10), dbSNP rs369717598, ClinGen allele CA8372165.

ClinVar aggregate classification (germline): Uncertain significance. Review status: criteria provided, multiple submitters, no conflicts (2 of 4 stars). 2 submissions from 2 submitters: Uncertain significance (2). Last evaluated 2025-07-15.

Conditions:
Inborn genetic diseases. Identifiers: MedGen C0950123, MeSH D030342.
Dyskeratosis congenita. Identifiers: Orphanet 1775, MedGen C0265965, MONDO:0015780.

Allele frequency attached by ClinVar (database versions not stated): gnomAD below 0.00001 and 0.00001; TOPMed below 0.00001; gnomAD exomes 0.00002 and 0.00008; ExAC 0.00009; 1000 Genomes Project 30x 0.00016; 1000 Genomes Project 0.00020.

Submissions (2):

Ambry Genetics
Classification: Uncertain significance for Inborn genetic diseases. Last evaluated: 2025-07-15. Review status: criteria provided, single submitter. Criteria: Ambry Variant Classification Scheme 2023. Collection method: clinical testing. Allele origin: germline.

Labcorp Genetics (formerly Invitae), Labcorp
Classification: Uncertain significance for Dyskeratosis congenita. Last evaluated: 2023-02-14. Review status: criteria provided, single submitter. Criteria: Invitae Variant Classification Sherloc (09022015). Collection method: clinical testing. Allele origin: germline.
Comment: This variant is present in population databases (rs369717598, gnomAD 0.09%). This variant has not been reported in the literature in individuals affected with CTC1-related conditions. ClinVar contains an entry for this variant (Variation ID: 1015429). Advanced modeling of protein sequence and biophysical properties (such as structural, functional, and spatial information, amino acid conservation, physicochemical variation, residue mobility, and thermodynamic stability) performed at Invitae indicates that this missense variant is not expected to disrupt CTC1 protein function. In summary, the available evidence is currently insufficient to determine the role of this variant in disease. Therefore, it has been classified as a Variant of Uncertain Significance. This sequence change replaces phenylalanine, which is neutral and non-polar, with leucine, which is neutral and non-polar, at codon 692 of the CTC1 protein (p.Phe692Leu).